The following is an entry in ClinVar:

ClinVar aggregate classification (germline): Uncertain significance (1 of 4 stars; one submission).

Conditions:
EP300-related disorder. Also called: EP300-related condition; EP300-related disorders.

gnomAD v4.1: 1 of 1,614,088 alleles (0.000062%); highest among the groups gnomAD compares: African/African-American, 0.0013%; no homozygotes.

Submission:

PreventionGenetics, part of Exact Sciences
Classification: Uncertain significance for EP300-related condition. Last evaluated: 2025-02-28. Review status: criteria provided, single submitter. Criteria: ACMG Guidelines, 2015. Collection method: clinical testing. Allele origin: germline.
Comment: The EP300 c.151A>C variant is predicted to result in the amino acid substitution p.Thr51Pro. To our knowledge, this variant has not been reported in the literature or in a large population database (gnomAD), indicating this variant is rare. At this time, the clinical significance of this variant is uncertain due to the absence of conclusive functional and genetic evidence.

NM_001429.4(EP300):c.151A>C (p.Thr51Pro)

Gene: EP300 (EP300 lysine acetyltransferase; plus strand). Cytogenetic location: 22q13.2.
Variant type: single nucleotide variant.
Coding change: c.151A>C on transcript NM_001429.4 (MANE Select); coding-DNA position 151, A replaced by C.
Protein change: p.Thr51Pro; replaces threonine 51 with proline.
Molecular consequence: missense variant.
Genome position (GRCh38, 1-based): chr22:41,117,243, A>C. VCF-style: chr22-41117243-A-C. GRCh37 (hg19) VCF-style: chr22-41513247-A-C.
Other names: c.151A>C, p.Thr51Pro (NM_001362843.2); short protein forms T51P.
Identifiers: ClinVar variation 4981957 (VCV004981957.1).